The following is an entry in ClinVar:

NM_001134363.3(RBM20):c.2581G>T (p.Glu861Ter)

Gene: RBM20 (RNA binding motif protein 20; plus strand). Cytogenetic location: 10q25.2.
Variant type: single nucleotide variant.
Coding change: c.2581G>T on transcript NM_001134363.3 (MANE Select); coding-DNA position 2581, G replaced by T.
Protein change: p.Glu861Ter; replaces glutamic acid 861 with a stop codon.
Molecular consequence: nonsense.
Genome position (GRCh38, 1-based): chr10:110,820,102, G>T. VCF-style: chr10-110820102-G-T. GRCh37 (hg19) VCF-style: chr10-112579860-G-T.
Other names: short protein forms E861*.
Identifiers: ClinVar variation 3370233 (VCV003370233.4).
Genomic context (GRCh38, chr10:110,820,102, plus strand): 5'-TTTGGTTTGCTCTGTTCTTCCTTTGATAAGGCTGGAAAAGAGGAACAGGAGGGCATGGAA[G>T]AAAGCCCTCAATCAGTGGGCAGACAGGAGAAAGAAGCAGAGTTCTCTGATCCGGAAAACA-3'

ClinVar aggregate classification (germline): Conflicting classifications of pathogenicity. Review status: criteria provided, conflicting classifications (1 of 4 stars). 2 submissions from 2 submitters: Pathogenic (1); Uncertain significance (1). Last evaluated 2026-06-08.

Conditions:
Dilated cardiomyopathy 1DD (CMD1DD). Identifiers: Orphanet 154, MedGen C2750995, MONDO:0013168, OMIM 613172.

Submissions (2):

GeneDx
Classification: Uncertain significance. Last evaluated: 2026-06-08. Review status: criteria provided, single submitter. Criteria: GeneDx Variant Classification Process June 2021. Collection method: clinical testing. Allele origin: germline.
Comment: Nonsense variant predicted to result in protein truncation or nonsense mediated decay in a gene or region of a gene for which loss of function is not a well-established mechanism of disease; Not observed at significant frequency in large population cohorts (gnomAD); Has not been previously published as pathogenic or benign to our knowledge

Labcorp Genetics (formerly Invitae), Labcorp
Classification: Pathogenic for Dilated cardiomyopathy 1DD. Last evaluated: 2025-12-08. Review status: criteria provided, single submitter. Criteria: Invitae Variant Classification Sherloc (09022015). Collection method: clinical testing. Allele origin: germline.
Comment: This sequence change creates a premature translational stop signal (p.Glu861*) in the RBM20 gene. It is expected to result in an absent or disrupted protein product. Loss-of-function variants in RBM20 are known to be pathogenic (PMID: 20590677, 22004663, 38288598, 38510713, 40339755). This variant is not present in population databases (gnomAD no frequency). This variant has not been reported in the literature in individuals affected with RBM20-related conditions. ClinVar contains an entry for this variant (Variation ID: 3370233). For these reasons, this variant has been classified as Pathogenic.

Literature cited by the submitters: PubMed 20590677 (cited by Labcorp Genetics (formerly Invitae), Labcorp); PubMed 22004663 (cited by Labcorp Genetics (formerly Invitae), Labcorp); PubMed 38288598 (cited by Labcorp Genetics (formerly Invitae), Labcorp); PubMed 38510713 (cited by Labcorp Genetics (formerly Invitae), Labcorp); PubMed 40339755 (cited by Labcorp Genetics (formerly Invitae), Labcorp).